The following is an entry in ClinVar:

ClinVar aggregate classification (germline): Pathogenic. Review status: criteria provided, multiple submitters, no conflicts (2 of 4 stars). 3 submissions from 3 submitters: Pathogenic (3). Last evaluated 2022-05-04.

Conditions:
Intellectual developmental disorder, X-linked 50. Also called: Intellectual disability, X-linked 50; MRX50. Identifiers: Orphanet 777, MedGen C1848087, MONDO:0010251, OMIM 300115.
Epilepsy, X-linked 1, with variable learning disabilities and behavior disorders. Also called: X-linked epilepsy-learning disabilities-behavior disorders syndrome. Identifiers: Orphanet 85294, MedGen C5774177, MONDO:0010339, OMIM 300491.

Submissions (3):

Mendelics
Classification: Pathogenic for Intellectual developmental disorder, X-linked 50. Last evaluated: 2022-05-04. Review status: criteria provided, single submitter. Criteria: Mendelics Assertion Criteria 2019. Collection method: clinical testing. Allele origin: germline.

Revvity Omics, Revvity
Classification: Pathogenic. Last evaluated: 2020-04-15. Review status: criteria provided, single submitter. Criteria: ACMG Guidelines, 2015. Collection method: clinical testing. Allele origin: germline.

Labcorp Genetics (formerly Invitae), Labcorp
Classification: Pathogenic for Epilepsy, X-linked 1, with variable learning disabilities and behavior disorders. Last evaluated: 2020-03-02. Review status: criteria provided, single submitter. Criteria: Invitae Variant Classification Sherloc (09022015). Collection method: clinical testing. Allele origin: germline.
Comment: This variant is not present in population databases (ExAC no frequency). This sequence change creates a premature translational stop signal (p.Arg234*) in the SYN1 gene. It is expected to result in an absent or disrupted protein product. This variant has not been reported in the literature in individuals with SYN1-related conditions. Loss-of-function variants in SYN1 are known to be pathogenic (PMID: 14985377, 21441247). For these reasons, this variant has been classified as Pathogenic.

Literature cited by the submitters: PubMed 14985377 (cited by Labcorp Genetics (formerly Invitae), Labcorp); PubMed 21441247 (cited by Labcorp Genetics (formerly Invitae), Labcorp).

NM_006950.3(SYN1):c.700C>T (p.Arg234Ter)

Gene: SYN1 (synapsin I; minus strand). Cytogenetic location: Xp11.23.
Variant type: single nucleotide variant.
Coding change: c.700C>T on transcript NM_006950.3 (MANE Select); coding-DNA position 700, C replaced by T.
Protein change: p.Arg234Ter; replaces arginine 234 with a stop codon.
Molecular consequence: nonsense.
Genome position (GRCh38, 1-based): chrX:47,605,052, G>A on the plus strand (C>T on the coding strand, the complement: SYN1 is on the minus strand). VCF-style: chrX-47605052-G-A. GRCh37 (hg19) VCF-style: chrX-47464451-G-A.
Other names: c.700C>T, p.Arg234Ter (NM_133499.2); short protein forms R234*.
Identifiers: ClinVar variation 1068662 (VCV001068662.11), dbSNP rs2147927599, ClinGen allele CA412823692.